The following is an entry in ClinVar:

ClinVar aggregate classification (germline): Pathogenic. Review status: criteria provided, multiple submitters, no conflicts (2 of 4 stars). 2 submissions from 2 submitters: Pathogenic (2). Last evaluated 2022-11-08.

Conditions:
COL1A1-related disorder. Also called: COL1A1-related condition; COL1A1- related disease.
Osteogenesis imperfecta type I (OI1). Also called: OI, TYPE I; OSTEOGENESIS IMPERFECTA TARDA; OSTEOGENESIS IMPERFECTA WITH BLUE SCLERAE; Osteogenesis imperfecta type 1; Lobstein's Disease; Lobstein disease. Identifiers: Orphanet 216796, Orphanet 666, MedGen C0023931, MONDO:0008146, OMIM 166200. Disease mechanism: loss of function.

Allele frequency attached by ClinVar (database versions not stated): gnomAD exomes below 0.00001.

Submissions (2):

Labcorp Genetics (formerly Invitae), Labcorp
Classification: Pathogenic for Osteogenesis imperfecta type I. Last evaluated: 2022-11-08. Review status: criteria provided, single submitter. Criteria: Invitae Variant Classification Sherloc (09022015). Collection method: clinical testing. Allele origin: germline.
Comment: For these reasons, this variant has been classified as Pathogenic. ClinVar contains an entry for this variant (Variation ID: 1710364). This variant has not been reported in the literature in individuals affected with COL1A1-related conditions. This variant is not present in population databases (gnomAD no frequency). This sequence change creates a premature translational stop signal (p.Gly623Alafs*143) in the COL1A1 gene. It is expected to result in an absent or disrupted protein product. Loss-of-function variants in COL1A1 are known to be pathogenic (PMID: 7942841, 9295084, 9443882).

Greenwood Genetic Center Diagnostic Laboratories, Greenwood Genetic Center
Classification: Pathogenic for COL1A1-related disease. Last evaluated: 2022-08-19. Review status: criteria provided, single submitter. Criteria: ACMG Guidelines, 2015. Collection method: clinical testing. Allele origin: germline. Affected: yes.
Comment: PVS1, PS4_Supporting, PM2

Literature cited by the submitters: PubMed 7942841 (cited by Labcorp Genetics (formerly Invitae), Labcorp); PubMed 9295084 (cited by Labcorp Genetics (formerly Invitae), Labcorp); PubMed 9443882 (cited by Labcorp Genetics (formerly Invitae), Labcorp).

NM_000088.4(COL1A1):c.1866del (p.Gly623fs)

Gene: COL1A1 (collagen type I alpha 1 chain; minus strand). Cytogenetic location: 17q21.33.
Variant type: Deletion.
Coding change: c.1866del on transcript NM_000088.4 (MANE Select); coding-DNA position 1866, one base deleted (T; older notation c.1866delT).
Protein change: p.Gly623fs; shifts the reading frame from glycine 623.
Molecular consequence: frameshift variant.
Genome position (GRCh38, 1-based): chr17:50,192,806, A deleted on the plus strand (T on the coding strand, the reverse complement: COL1A1 is on the minus strand). VCF-style (leftmost placement, unchanged base first): chr17-50192805-CA-C. GRCh37 (hg19) VCF-style: chr17-48270166-CA-C.
Other names: short protein forms G623fs.
Identifiers: ClinVar variation 1710364 (VCV001710364.6), dbSNP rs72651621, ClinGen allele CA291544399.
Genomic context (GRCh38, chr17:50,192,805, plus strand): 5'-GAGGGTGTCTCCCCTTTTCTGCTCCCCAGATCTCCCCATCAGGGACACTCACAGCAGGGC[CA>C]GGGGGTCCCTGAGCTCCAGCCTCTCCATCTTTGCCAGCAGGACCCTGCAGGGAGAGAGCA-3'